The following is an entry in ClinVar:

NM_001370.2(DNAH6):c.3664G>A (p.Asp1222Asn)

Gene: DNAH6 (dynein axonemal heavy chain 6; plus strand). Cytogenetic location: 2p11.2.
Variant type: single nucleotide variant.
Coding change: c.3664G>A on transcript NM_001370.2 (MANE Select); coding-DNA position 3664, G replaced by A.
Protein change: p.Asp1222Asn; replaces aspartic acid 1222 with asparagine.
Molecular consequence: missense variant.
Genome position (GRCh38, 1-based): chr2:84,619,776, G>A. VCF-style: chr2-84619776-G-A. GRCh37 (hg19) VCF-style: chr2-84846900-G-A.
Other names: short protein forms D1222N.
Identifiers: ClinVar variation 3272875 (VCV003272875.2).

ClinVar aggregate classification (germline): Uncertain significance. Review status: criteria provided, multiple submitters, no conflicts (2 of 4 stars). 2 submissions from 2 submitters: Uncertain significance (2). Last evaluated 2024-05-20.

gnomAD v4.1: 18 of 1,551,540 alleles (0.0012%); highest among the groups gnomAD compares: Admixed American, 0.0059%; no homozygotes.

Submissions (2):

GeneDx
Classification: Uncertain significance. Last evaluated: 2024-05-20. Review status: criteria provided, single submitter. Criteria: GeneDx Variant Classification Process June 2021. Collection method: clinical testing. Allele origin: germline. Affected: yes.
Comment: In silico analysis supports that this missense variant has a deleterious effect on protein structure/function; Has not been previously published as pathogenic or benign to our knowledge; Variants in candidate genes are classified as variants of uncertain significance in accordance with ACMG guidelines (PMID: 25741868)

Ambry Genetics
Classification: Uncertain significance. Last evaluated: 2024-03-30. Review status: criteria provided, single submitter. Criteria: Ambry Variant Classification Scheme 2023. Collection method: clinical testing. Allele origin: germline.